The following is an entry in ClinVar:

ClinVar aggregate classification (germline): Uncertain significance (1 of 4 stars; one submission).

Submission:

GeneDx
Classification: Uncertain significance. Last evaluated: 2026-04-08. Review status: criteria provided, single submitter. Criteria: GeneDx Variant Classification Process June 2021. Collection method: clinical testing. Allele origin: germline.
Comment: Not observed at significant frequency in large population cohorts (gnomAD); In silico analysis supports that this missense variant has a deleterious effect on protein structure/function; Has not been previously published as pathogenic or benign to our knowledge

NM_002430.3(MN1):c.1762G>C (p.Gly588Arg)

Gene: MN1 (MN1 proto-oncogene, transcriptional regulator; minus strand). Cytogenetic location: 22q12.1.
Variant type: single nucleotide variant.
Coding change: c.1762G>C on transcript NM_002430.3 (MANE Select); coding-DNA position 1762, G replaced by C.
Protein change: p.Gly588Arg; replaces glycine 588 with arginine.
Molecular consequence: missense variant.
Genome position (GRCh38, 1-based): chr22:27,798,782, C>G on the plus strand (G>C on the coding strand, the complement: MN1 is on the minus strand). VCF-style: chr22-27798782-C-G. GRCh37 (hg19) VCF-style: chr22-28194770-C-G.
Other names: short protein forms G588R.
Identifiers: ClinVar variation 5018271 (VCV005018271.1).